The following is an entry in ClinVar:

NM_152564.5(VPS13B):c.3559G>A (p.Val1187Ile)

Gene: VPS13B (vacuolar protein sorting 13 homolog B; plus strand). Cytogenetic location: 8q22.2.
Variant type: single nucleotide variant.
Coding change: c.3559G>A on transcript NM_152564.5 (MANE Select); coding-DNA position 3559, G replaced by A.
Protein change: p.Val1187Ile; replaces valine 1187 with isoleucine.
Molecular consequence: missense variant.
Genome position (GRCh38, 1-based): chr8:99,467,527, G>A. VCF-style: chr8-99467527-G-A. GRCh37 (hg19) VCF-style: chr8-100479755-G-A.
Other names: c.3559G>A (NM_017890.3, NM_152564.4); c.3559G>A, p.Val1187Ile (NM_017890.5); short protein forms V1187I.
Identifiers: ClinVar variation 597994 (VCV000597994.13), dbSNP rs151247807, ClinGen allele CA4823273.
Genomic context (GRCh38, chr8:99,467,527, plus strand): 5'-CTTGGAAAACAAGTGACACTTTGCCTAGTGGAACCTATGGGTTGCACCTCCACTCTAGCT[G>A]TCACGTCTCAAAAACTGCTTGCTACGGGACCTGATACACGACATTCATTTGTTGTCTGTC-3'
Protein context (NP_689777.3, residues 1177-1197): EPMGCTSTLA[Val1187Ile]TSQKLLATGP

ClinVar aggregate classification (germline): Conflicting classifications of pathogenicity. Review status: criteria provided, conflicting classifications (1 of 4 stars). 5 submissions from 5 submitters: Uncertain significance (3); Likely benign (1). 1 of the submissions does not count toward it. Last evaluated 2026-06-18.

Conditions:
VPS13B-related disorder. Also called: VPS13B-related condition.
Inborn genetic diseases. Identifiers: MedGen C0950123, MeSH D030342.
Cohen syndrome (COH1). Also called: Cutis verticis gyrata, retinitis pigmentosa, and sensorineural deafness; PEPPER SYNDROME. Identifiers: Orphanet 193, MedGen C0265223, MONDO:0008999, OMIM 216550.

Allele frequency attached by ClinVar (database versions not stated): gnomAD 0.00010 and 0.00011; TOPMed 0.00013; ESP Exome Variant Server 0.00023; ExAC 0.00004; gnomAD exomes 0.00004.
gnomAD v4.1: 27 of 1,613,612 alleles (0.0017%); highest among the groups gnomAD compares: African/African-American, 0.035%; no homozygotes.

Submissions (5):

PreventionGenetics, part of Exact Sciences
Classification: Uncertain significance for VPS13B-related condition. Last evaluated: 2026-06-18. Review status: criteria provided, single submitter. Criteria: ACMG Guidelines, 2015. Collection method: clinical testing. Allele origin: germline.
Comment: The VPS13B c.3559G>A variant is predicted to result in the amino acid substitution p.Val1187Ile. To our knowledge, this variant has not been reported in the literature. This variant is reported in 0.044% of alleles in individuals of African descent in gnomAD. At this time, the clinical significance of this variant is uncertain due to the absence of conclusive functional and genetic evidence.

Labcorp Genetics (formerly Invitae), Labcorp
Classification: Uncertain significance for Cohen syndrome. Last evaluated: 2025-09-28. Review status: criteria provided, single submitter. Criteria: Invitae Variant Classification Sherloc (09022015). Collection method: clinical testing. Allele origin: germline.
Comment: This sequence change replaces valine, which is neutral and non-polar, with isoleucine, which is neutral and non-polar, at codon 1187 of the VPS13B protein (p.Val1187Ile). This variant is present in population databases (rs151247807, gnomAD 0.05%). This variant has not been reported in the literature in individuals affected with VPS13B-related conditions. ClinVar contains an entry for this variant (Variation ID: 597994). Invitae Evidence Modeling of protein sequence and biophysical properties (such as structural, functional, and spatial information, amino acid conservation, physicochemical variation, residue mobility, and thermodynamic stability) indicates that this missense variant is not expected to disrupt VPS13B protein function with a negative predictive value of 80%. In summary, the available evidence is currently insufficient to determine the role of this variant in disease. Therefore, it has been classified as a Variant of Uncertain Significance.

Ambry Genetics
Classification: Likely benign for Inborn genetic diseases. Last evaluated: 2025-01-28. Review status: criteria provided, single submitter. Criteria: Ambry Variant Classification Scheme 2023. Collection method: clinical testing. Allele origin: germline.

Eurofins Ntd Llc (ga)
Classification: Uncertain significance. Last evaluated: 2018-07-13. Review status: criteria provided, single submitter. Criteria: EGL ClinVar v180209 classification definitions. Collection method: clinical testing. Allele origin: germline. Observed: 1 variant allele, 1 heterozygote.

Natera, Inc.
Classification: Uncertain significance for Cohen syndrome. Last evaluated: 2019-11-11. Review status: no assertion criteria provided. Collection method: clinical testing. Allele origin: germline. Not counted in ClinVar's aggregate classification.